The following is an entry in ClinVar:

NM_003737.4(DCHS1):c.5031C>T (p.Asp1677=)

Gene: DCHS1 (dachsous cadherin-related 1; minus strand). Cytogenetic location: 11p15.4.
Variant type: single nucleotide variant.
Coding change: c.5031C>T on transcript NM_003737.4 (MANE Select); coding-DNA position 5031, C replaced by T.
Protein change: p.Asp1677=; no amino-acid change (aspartic acid 1677 retained).
Molecular consequence: synonymous variant.
Genome position (GRCh38, 1-based): chr11:6,629,676, G>A on the plus strand (C>T on the coding strand, the complement: DCHS1 is on the minus strand). VCF-style: chr11-6629676-G-A. GRCh37 (hg19) VCF-style: chr11-6650907-G-A.
Identifiers: ClinVar variation 2740536 (VCV002740536.3), dbSNP rs1418689660, ClinGen allele CA473239512.
Genomic context (GRCh38, chr11:6,629,676, plus strand): 5'-AATGCTGTTTCTTGCCCCAGTCCATCCCACTCATAATTCACCCCCCCAGGTCTTACCCAC[G>A]TCGGGGTCGGTTGCTCGCAGGGTGAGCAGAGATGTGCCAGGAGGGTTGTTCTCACGCAAG-3'
Protein context (NP_003728.1, residues 1667-1687): SLLTLRATDP[Asp1677=]VGANGQVTYG

ClinVar aggregate classification (germline): Uncertain significance (1 of 4 stars; one submission).

gnomAD v4.1: 2 of 1,613,344 alleles (0.00012%); highest among the groups gnomAD compares: Non-Finnish European, 0.00017%; no homozygotes.

Submission:

Labcorp Genetics (formerly Invitae), Labcorp
Classification: Uncertain significance. Last evaluated: 2023-07-10. Review status: criteria provided, single submitter. Criteria: Invitae Variant Classification Sherloc (09022015). Collection method: clinical testing. Allele origin: germline.
Comment: This sequence change affects codon 1677 of the DCHS1 mRNA. It is a 'silent' change, meaning that it does not change the encoded amino acid sequence of the DCHS1 protein. This variant is present in population databases (no rsID available, gnomAD 0.007%). This variant has not been reported in the literature in individuals affected with DCHS1-related conditions. Algorithms developed to predict the effect of sequence changes on RNA splicing suggest that this variant may create or strengthen a splice site. In summary, the available evidence is currently insufficient to determine the role of this variant in disease. Therefore, it has been classified as a Variant of Uncertain Significance.